The following is an entry in ClinVar:

ClinVar aggregate classification (germline): Uncertain significance (1 of 4 stars; one submission).

Submission:

Labcorp Genetics (formerly Invitae), Labcorp
Classification: Uncertain significance. Last evaluated: 2022-02-28. Review status: criteria provided, single submitter. Criteria: Invitae Variant Classification Sherloc (09022015). Collection method: clinical testing. Allele origin: germline.
Comment: In summary, the available evidence is currently insufficient to determine the role of this variant in disease. Therefore, it has been classified as a Variant of Uncertain Significance. Algorithms developed to predict the effect of missense changes on protein structure and function are either unavailable or do not agree on the potential impact of this missense change (SIFT: "Tolerated"; PolyPhen-2: "Not Available"; Align-GVGD: "Class C0"). This variant has not been reported in the literature in individuals affected with SLC9A7-related conditions. This variant is not present in population databases (gnomAD no frequency). This sequence change replaces serine, which is neutral and polar, with threonine, which is neutral and polar, at codon 408 of the SLC9A7 protein (p.Ser408Thr).

NM_001257291.2(SLC9A7):c.1223G>C (p.Ser408Thr)

Gene: SLC9A7 (solute carrier family 9 member A7; minus strand). Cytogenetic location: Xp11.3.
Variant type: single nucleotide variant.
Coding change: c.1223G>C on transcript NM_001257291.2 (MANE Select); coding-DNA position 1223, G replaced by C.
Protein change: p.Ser408Thr; replaces serine 408 with threonine.
Molecular consequence: missense variant.
Genome position (GRCh38, 1-based): chrX:46,651,329, C>G on the plus strand (G>C on the coding strand, the complement: SLC9A7 is on the minus strand). VCF-style: chrX-46651329-C-G. GRCh37 (hg19) VCF-style: chrX-46510764-C-G.
Other names: c.1220G>C, p.Ser407Thr (NM_032591.3); short protein forms S407T, S408T.
Identifiers: ClinVar variation 2030699 (VCV002030699.4), dbSNP rs1943576553, ClinGen allele CA413035681.
Genomic context (GRCh38, chrX:46,651,329, plus strand): 5'-TTCCCTGTGTTAACAAGCAACTCGTGAGTACCAAGCCTCTCTCTCACCTGCTTGGTTCGA[C>G]TTCTTGATTCCACCGACAGATTGTTGTAGGTGTAATGAGCTTGTGTGATTCCACAGAAAA-3'
Protein context (NP_001244220.1, residues 398-418): TYNNLSVESR[Ser408Thr]RTKQLFEVLH